The following is an entry in ClinVar:

NM_005751.5(AKAP9):c.3968G>A (p.Ser1323Asn)

Gene: AKAP9 (A-kinase anchoring protein 9; plus strand). Cytogenetic location: 7q21.2.
Variant type: single nucleotide variant.
Coding change: c.3968G>A on transcript NM_005751.5 (MANE Select); coding-DNA position 3968, G replaced by A.
Protein change: p.Ser1323Asn; replaces serine 1323 with asparagine.
Molecular consequence: missense variant.
Genome position (GRCh38, 1-based): chr7:92,022,829, G>A. VCF-style: chr7-92022829-G-A. GRCh37 (hg19) VCF-style: chr7-91652143-G-A.
Other names: c.3968G>A, p.Ser1323Asn (NM_147185.3); short protein forms S1323N.
Identifiers: ClinVar variation 1897660 (VCV001897660.5), dbSNP rs769545901, ClinGen allele CA4336452.
Genomic context (GRCh38, chr7:92,022,829, plus strand): 5'-AACTTATATTGAAATGTGCATTTTTTGTCTCTTTATATAACATAGATGTCAATCATAAAA[G>A]CAAGTTATCTTCTCTGCAAGATCTTGAAAAAACTAAACTTGAAGAACAAGTTCAAGAATT-3'
Protein context (NP_005742.4, residues 1313-1333): NLEDIDVNHK[Ser1323Asn]KLSSLQDLEK

ClinVar aggregate classification (germline): Uncertain significance (1 of 4 stars; one submission).

Conditions:
Long QT syndrome (LQTS). Identifiers: MedGen C0023976, MeSH D008133, MONDO:0002442. Disease mechanism: loss of function. Inheritance: Various modes of inheritance.

Allele frequency attached by ClinVar (database versions not stated): gnomAD exomes below 0.00001; ExAC 0.00001.
gnomAD v4.1: 1 of 1,594,924 alleles (0.000063%); highest among the groups gnomAD compares: Middle Eastern, 0.017%; no homozygotes.

Submission:

Labcorp Genetics (formerly Invitae), Labcorp
Classification: Uncertain significance for Long QT syndrome. Last evaluated: 2025-06-09. Review status: criteria provided, single submitter. Criteria: Invitae Variant Classification Sherloc (09022015). Collection method: clinical testing. Allele origin: germline.
Comment: This sequence change replaces serine, which is neutral and polar, with asparagine, which is neutral and polar, at codon 1323 of the AKAP9 protein (p.Ser1323Asn). This variant is not present in population databases (gnomAD no frequency). This variant has not been reported in the literature in individuals affected with AKAP9-related conditions. ClinVar contains an entry for this variant (Variation ID: 1897660). An algorithm developed to predict the effect of missense changes on protein structure and function outputs the following: PolyPhen-2: "Benign". The asparagine amino acid residue is found in multiple mammalian species, which suggests that this missense change does not adversely affect protein function. In summary, the available evidence is currently insufficient to determine the role of this variant in disease. Therefore, it has been classified as a Variant of Uncertain Significance.